The following is an entry in ClinVar:

ClinVar aggregate classification (germline): Uncertain significance. Review status: criteria provided, multiple submitters, no conflicts (2 of 4 stars). 7 submissions from 4 submitters: Uncertain significance (7). Last evaluated 2026-04-06.

Conditions:
Congenital myopathy 18. Also called: Myopathy, congenital, due to dihydropyridine receptor defect; DIHYDROPYRIDINE RECEPTOR CONGENITAL MYOPATHY; DHPR CONGENITAL MYOPATHY. Identifiers: MedGen C5830283, MONDO:0859514, OMIM 620246.
Hypokalemic periodic paralysis, type 1. Also called: Hypokalemic Periodic Paralysis Type 1 (AD); HypoPP. Identifiers: Orphanet 681, MedGen C3714580, MONDO:0042979, OMIM 170400.
Malignant hyperthermia, susceptibility to, 5 (MHS5). Also called: CACNA1S-Related Malignant Hyperthermia Susceptibility. Identifiers: Orphanet 423, MedGen C1866077, MONDO:0011163, OMIM 601887.
Inborn genetic diseases. Identifiers: MedGen C0950123, MeSH D030342.
Thyrotoxic periodic paralysis, susceptibility to, 1 (TTPP1). Identifiers: Orphanet 79102, MedGen C2749982, MONDO:0008570, OMIM 188580.

Allele frequency attached by ClinVar (database versions not stated): gnomAD exomes 0.00003; gnomAD 0.00001; TOPMed 0.00002.
gnomAD v4.1: 42 of 1,614,102 alleles (0.0026%); highest among the groups gnomAD compares: Non-Finnish European, 0.0031%; no homozygotes.

Submissions (7):

Ambry Genetics
Classification: Uncertain significance for Inborn genetic diseases. Last evaluated: 2026-04-06. Review status: criteria provided, single submitter. Criteria: Ambry Variant Classification Scheme 2023. Collection method: clinical testing. Allele origin: germline.

Color Diagnostics, LLC DBA Color Health
Classification: Uncertain significance for Malignant hyperthermia, susceptibility to, 5. Last evaluated: 2025-07-08. Review status: criteria provided, single submitter. Criteria: ACMG Guidelines, 2015. Collection method: clinical testing. Allele origin: germline.
Comment: This missense variant replaces aspartic acid with glutamic acid at codon 998 of the CACNA1S protein. Computational prediction suggests that this variant may have deleterious impact on protein structure and function. To our knowledge, functional studies have not been reported for this variant. This variant has not been reported in individuals affected with CACNA1S-related disorders in the literature. This variant has been identified in 1/31380 chromosomes in the general population by the Genome Aggregation Database (gnomAD). The available evidence is insufficient to determine the role of this variant in disease conclusively. Therefore, this variant is classified as a Variant of Uncertain Significance.

Genome-Nilou Lab
Classification: Uncertain significance for Malignant hyperthermia, susceptibility to, 5. Last evaluated: 2023-04-11. Review status: criteria provided, single submitter. Criteria: ACMG Guidelines, 2015. Collection method: clinical testing. Allele origin: germline. Affected: no.

Genome-Nilou Lab
Classification: Uncertain significance for Thyrotoxic periodic paralysis, susceptibility to, 1. Last evaluated: 2023-04-11. Review status: criteria provided, single submitter. Criteria: ACMG Guidelines, 2015. Collection method: clinical testing. Allele origin: germline. Affected: no.

Genome-Nilou Lab
Classification: Uncertain significance for Congenital myopathy 18. Last evaluated: 2023-04-11. Review status: criteria provided, single submitter. Criteria: ACMG Guidelines, 2015. Collection method: clinical testing. Allele origin: germline. Affected: no.

Genome-Nilou Lab
Classification: Uncertain significance for Hypokalemic periodic paralysis, type 1. Last evaluated: 2023-04-11. Review status: criteria provided, single submitter. Criteria: ACMG Guidelines, 2015. Collection method: clinical testing. Allele origin: germline. Affected: no.

Labcorp Genetics (formerly Invitae), Labcorp
Classification: Uncertain significance for Hypokalemic periodic paralysis, type 1; Malignant hyperthermia, susceptibility to, 5. Last evaluated: 2023-04-09. Review status: criteria provided, single submitter. Criteria: Invitae Variant Classification Sherloc (09022015). Collection method: clinical testing. Allele origin: germline.
Comment: This variant has not been reported in the literature in individuals affected with CACNA1S-related conditions. ClinVar contains an entry for this variant (Variation ID: 294734). This variant is present in population databases (no rsID available, gnomAD 0.007%). This sequence change replaces aspartic acid, which is acidic and polar, with glutamic acid, which is acidic and polar, at codon 998 of the CACNA1S protein (p.Asp998Glu). Advanced modeling of protein sequence and biophysical properties (such as structural, functional, and spatial information, amino acid conservation, physicochemical variation, residue mobility, and thermodynamic stability) performed at Invitae indicates that this missense variant is expected to disrupt CACNA1S protein function. In summary, the available evidence is currently insufficient to determine the role of this variant in disease. Therefore, it has been classified as a Variant of Uncertain Significance.

NM_000069.3(CACNA1S):c.2994C>A (p.Asp998Glu)

Gene: CACNA1S (calcium voltage-gated channel subunit alpha1 S; minus strand). Cytogenetic location: 1q32.1.
Variant type: single nucleotide variant.
Coding change: c.2994C>A on transcript NM_000069.3 (MANE Select); coding-DNA position 2994, C replaced by A.
Protein change: p.Asp998Glu; replaces aspartic acid 998 with glutamic acid.
Molecular consequence: missense variant.
Genome position (GRCh38, 1-based): chr1:201,062,003, G>T on the plus strand (C>A on the coding strand, the complement: CACNA1S is on the minus strand). VCF-style: chr1-201062003-G-T. GRCh37 (hg19) VCF-style: chr1-201031131-G-T.
Other names: short protein forms D998E.
Identifiers: ClinVar variation 294734 (VCV000294734.16), dbSNP rs886045798, ClinGen allele CA10609319.